The following is an entry in ClinVar:

NM_006206.6(PDGFRA):c.760-4G>T

Gene: PDGFRA (platelet derived growth factor receptor alpha; plus strand). Cytogenetic location: 4q12.
Variant type: single nucleotide variant.
Coding change: c.760-4G>T on transcript NM_006206.6 (MANE Select); 4 bases into the intron before coding-DNA position 760, G replaced by T.
Molecular consequence: intron variant.
Genome position (GRCh38, 1-based): chr4:54,267,285, G>T. VCF-style: chr4-54267285-G-T. GRCh37 (hg19) VCF-style: chr4-55133452-G-T.
Other names: c.835-4G>T (NM_001347828.2); c.760-4G>T (NM_001347827.2, NM_001347829.2); c.799-4G>T (NM_001347830.2).
Identifiers: ClinVar variation 756863 (VCV000756863.12), dbSNP rs369165611, ClinGen allele CA915943050.
Genomic context (GRCh38, chr4:54,267,285, plus strand): 5'-ATCTTAGAGTTCACTCCTAGGAGCGAGCTTTTTAAAAGTCGGTTTTCTTCCCCTTTTGCT[G>T]TAGAAAGGCAAAGGCATCACAATGCTGGAAGAAATCAAAGTCCCATCCATCAAATTGGTG-3'

ClinVar aggregate classification (germline): Conflicting classifications of pathogenicity. Review status: criteria provided, conflicting classifications (1 of 4 stars). 2 submissions from 2 submitters: Uncertain significance (1); Likely benign (1). Last evaluated 2025-07-08.

Conditions:
Hereditary cancer-predisposing syndrome. Also called: Neoplastic Syndromes, Hereditary; Hereditary Cancer Syndrome; Hereditary neoplastic syndrome; Tumor predisposition. Identifiers: Orphanet 140162, MedGen C0027672, MeSH D009386, MONDO:0015356.
Gastrointestinal stromal tumor. Also called: Gastrointestinal stromal tumor, somatic; Gastrointestinal stroma tumor. Identifiers: Orphanet 44890, MedGen C0238198, MeSH D046152, MONDO:0011719, OMIM 606764, HP:0100723.

Submissions (2):

Ambry Genetics
Classification: Uncertain significance for Hereditary cancer-predisposing syndrome. Last evaluated: 2025-07-08. Review status: criteria provided, single submitter. Criteria: Ambry Variant Classification Scheme 2023. Collection method: clinical testing. Allele origin: germline.
Comment: The c.760-4G>T intronic variant results from a G to T substitution 4 nucleotides upstream from coding exon 5 in the PDGFRA gene. This nucleotide position is not well conserved in available vertebrate species. In silico splice site analysis for this alteration is inconclusive. Based on the available evidence, the clinical significance of this variant remains unclear.

Labcorp Genetics (formerly Invitae), Labcorp
Classification: Likely benign for Gastrointestinal stromal tumor. Last evaluated: 2018-03-26. Review status: criteria provided, single submitter. Criteria: Invitae Variant Classification Sherloc (09022015). Collection method: clinical testing. Allele origin: germline.